The following is an entry in ClinVar:

NM_004415.4(DSP):c.1237C>T (p.His413Tyr)

Gene: DSP (desmoplakin; plus strand). Cytogenetic location: 6p24.3.
Variant type: single nucleotide variant.
Coding change: c.1237C>T on transcript NM_004415.4 (MANE Select); coding-DNA position 1237, C replaced by T.
Protein change: p.His413Tyr; replaces histidine 413 with tyrosine.
Molecular consequence: missense variant.
Genome position (GRCh38, 1-based): chr6:7,567,877, C>T. VCF-style: chr6-7567877-C-T. GRCh37 (hg19) VCF-style: chr6-7568110-C-T.
Other names: c.1237C>T, p.His413Tyr (NM_001008844.3, NM_001319034.2, NM_001406591.1); short protein forms H413Y.
Identifiers: ClinVar variation 2775270 (VCV002775270.2), dbSNP rs767210417, ClinGen allele CA027277.

ClinVar aggregate classification (germline): Uncertain significance (1 of 4 stars; one submission).

Conditions:
Cardiomyopathy (CMYO). Also called: Cardiomyopathies. Identifiers: Orphanet 167848, MedGen C0878544, MONDO:0004994, HP:0001638. Inheritance: Various modes of inheritance.

Allele frequency attached by ClinVar (database versions not stated): gnomAD exomes below 0.00001; ExAC 0.00001.
gnomAD v4.1: 1 of 1,613,992 alleles (0.000062%); highest among the groups gnomAD compares: South Asian, 0.0011%; no homozygotes.

Submission:

Color Diagnostics, LLC DBA Color Health
Classification: Uncertain significance for Cardiomyopathy. Last evaluated: 2022-02-02. Review status: criteria provided, single submitter. Criteria: ACMG Guidelines, 2015. Collection method: clinical testing. Allele origin: germline.
Comment: This missense variant replaces histidine with tyrosine at codon 413 of the DSP protein. Computational prediction suggests that this variant may not impact protein structure and function (internally defined REVEL score threshold <= 0.5, PMID: 27666373). To our knowledge, functional studies have not been reported for this variant. This variant has not been reported in individuals affected with cardiovascular disorders in the literature. This variant has been identified in 1/251118 chromosomes in the general population by the Genome Aggregation Database (gnomAD). The available evidence is insufficient to determine the role of this variant in disease conclusively. Therefore, this variant is classified as a Variant of Uncertain Significance.